The following is an entry in ClinVar:

ClinVar aggregate classification (germline): Likely benign (1 of 4 stars; one submission).

Allele frequency attached by ClinVar (database versions not stated): ExAC 0.00001; gnomAD exomes 0.00001 and 0.00003; TOPMed 0.00001.

Submission:

CeGaT Center for Human Genetics Tuebingen
Classification: Likely benign. Last evaluated: 2022-03-01. Review status: criteria provided, single submitter. Criteria: CeGaT Center For Human Genetics Tuebingen Variant Classification Criteria Version 2. Collection method: clinical testing. Allele origin: germline. Affected: yes. Observed: 1 variant allele.
Comment: KIF7: BP4, BP7

NM_198525.3(KIF7):c.2739G>A (p.Lys913=)

Gene: KIF7 (kinesin family member 7; minus strand). Cytogenetic location: 15q26.1.
Variant type: single nucleotide variant.
Coding change: c.2739G>A on transcript NM_198525.3 (MANE Select); coding-DNA position 2739, G replaced by A.
Protein change: p.Lys913=; no amino-acid change (lysine 913 retained).
Molecular consequence: synonymous variant.
Genome position (GRCh38, 1-based): chr15:89,632,976, C>T on the plus strand (G>A on the coding strand, the complement: KIF7 is on the minus strand). VCF-style: chr15-89632976-C-T. GRCh37 (hg19) VCF-style: chr15-90176207-C-T.
Identifiers: ClinVar variation 1675585 (VCV001675585.33), dbSNP rs770287798, ClinGen allele CA7727960.